The following is an entry in ClinVar:

ClinVar aggregate classification (germline): Pathogenic/Likely pathogenic. Review status: criteria provided, multiple submitters, no conflicts (2 of 4 stars). 3 submissions from 3 submitters: Pathogenic (2); Likely pathogenic (1). Last evaluated 2026-02-17.

Conditions:
ABCA4-related disorder. Also called: ABCA4-related condition; ABCA4-related disorders. Identifiers: MedGen CN239167.
ABCA4-related retinopathy. Also called: ABCA4 retinoapthy; ABCA4-related retinoapthy. Identifiers: MedGen CN322612, MONDO:0800406.

gnomAD v4.1: 24 of 1,614,172 alleles (0.0015%); highest among the groups gnomAD compares: Non-Finnish European, 0.0019%; no homozygotes.

Submissions (3):

Victorian Clinical Genetics Services, Murdoch Childrens Research Institute
Classification: Pathogenic for ABCA4-related retinopathy. Last evaluated: 2026-02-17. Review status: criteria provided, single submitter. Criteria: ACMG Guidelines, 2015. Collection method: clinical testing. Allele origin: germline. Affected: yes.
Comment: This variant is classified as Pathogenic. Evidence in support of pathogenic classification: Variant is predicted to cause nonsense-mediated decay (NMD) and loss of protein (premature termination codon is located at least 54 nucleotides upstream of the final exon-exon junction); Variant is present in gnomAD <0.01 for a recessive condition (v4: 24 heterozygote(s), 0 homozygote(s)); This variant has limited previous evidence of pathogenicity in an unrelated individual(s). It has been classified as pathogenic by one clinical laboratory in ClinVar; Other NMD-predicted variant(s) comparable to the one identified in this case have very strong previous evidence for pathogenicity (DECIPHER). Additional information: This variant is heterozygous; This gene is associated with autosomal recessive disease; Loss of function is a known mechanism of disease in this gene and is associated with ABCA4-related retinopathy (MONDO:0800406); Variants in this gene are known to have variable expressivity (PMID: 31522899); Inheritance information for this variant is not currently available in this individual.

Labcorp Genetics (formerly Invitae), Labcorp
Classification: Pathogenic. Last evaluated: 2025-04-27. Review status: criteria provided, single submitter. Criteria: Invitae Variant Classification Sherloc (09022015). Collection method: clinical testing. Allele origin: germline.
Comment: This sequence change creates a premature translational stop signal (p.Glu1666*) in the ABCA4 gene. It is expected to result in an absent or disrupted protein product. Loss-of-function variants in ABCA4 are known to be pathogenic (PMID: 10958761, 24938718, 25312043, 26780318). This variant is present in population databases (rs773880325, gnomAD 0.002%). This variant has not been reported in the literature in individuals affected with ABCA4-related conditions. ClinVar contains an entry for this variant (Variation ID: 971512). Algorithms developed to predict the effect of sequence changes on RNA splicing suggest that this variant may disrupt the consensus splice site. For these reasons, this variant has been classified as Pathogenic.

Blueprint Genetics
Classification: Likely pathogenic for ABCA4-related disorders. Last evaluated: 2024-09-26. Review status: criteria provided, single submitter. Criteria: ACMG Guidelines, 2015. Collection method: clinical testing. Allele origin: germline. Affected: yes. Observed: 5 variant alleles.

Literature cited by the submitters: PubMed 31522899 (cited by Victorian Clinical Genetics Services, Murdoch Childrens Research Institute); PubMed 10958761 (cited by Labcorp Genetics (formerly Invitae), Labcorp); PubMed 24938718 (cited by Labcorp Genetics (formerly Invitae), Labcorp); PubMed 25312043 (cited by Labcorp Genetics (formerly Invitae), Labcorp); PubMed 26780318 (cited by Labcorp Genetics (formerly Invitae), Labcorp).

NM_000350.3(ABCA4):c.4996G>T (p.Glu1666Ter)

Genes: ABCA4 (ATP binding cassette subfamily A member 4; minus strand), LOC126805793 (CDK7 strongly-dependent group 2 enhancer GRCh37_chr1:94486302-94487501; plus strand). Cytogenetic location: 1p22.1.
Variant type: single nucleotide variant.
Coding change: c.4996G>T on transcript NM_000350.3 (MANE Select); coding-DNA position 4996, G replaced by T.
Protein change: p.Glu1666Ter; replaces glutamic acid 1666 with a stop codon.
Molecular consequence: nonsense.
Genome position (GRCh38, 1-based): chr1:94,021,262, C>A on the plus strand (G>T on the coding strand, the complement: ABCA4 is on the minus strand). VCF-style: chr1-94021262-C-A. GRCh37 (hg19) VCF-style: chr1-94486818-C-A.
Other names: c.4774G>T, p.Glu1592Ter (NM_001425324.1); short protein forms E1666*, E1592*.
Identifiers: ClinVar variation 971512 (VCV000971512.10), dbSNP rs773880325, ClinGen allele CA957416.